The following is an entry in ClinVar:

ClinVar aggregate classification (germline): Conflicting classifications of pathogenicity. Review status: criteria provided, conflicting classifications (1 of 4 stars). 3 submissions from 3 submitters: Uncertain significance (2); Likely benign (1). Last evaluated 2025-10-19.

Conditions:
Hereditary cancer-predisposing syndrome. Also called: Tumor predisposition; Hereditary Cancer Syndrome; Hereditary neoplastic syndrome; Neoplastic Syndromes, Hereditary. Identifiers: Orphanet 140162, MedGen C0027672, MeSH D009386, MONDO:0015356.
POLD1-related polyposis and colorectal cancer syndrome (CRCS10). Also called: Colorectal cancer 10; COLORECTAL CANCER, SUSCEPTIBILITY TO, ON CHROMOSOME 19q; Colorectal cancer, susceptibility to, 10. Identifiers: Orphanet 220460, MedGen C2675481, MONDO:0012953, OMIM 612591.

Allele frequency attached by ClinVar (database versions not stated): gnomAD below 0.00001 and 0.00001; TOPMed below 0.00001; gnomAD exomes 0.00002 and 0.00003; ExAC 0.00006.
gnomAD v4.1: 31 of 1,564,330 alleles (0.002%); highest among the groups gnomAD compares: South Asian, 0.035%; no homozygotes.

Submissions (3):

Labcorp Genetics (formerly Invitae), Labcorp
Classification: Uncertain significance for POLD1-related polyposis and colorectal cancer syndrome. Last evaluated: 2025-10-19. Review status: criteria provided, single submitter. Criteria: Invitae Variant Classification Sherloc (09022015). Collection method: clinical testing. Allele origin: germline.
Comment: This sequence change falls in intron 12 of the POLD1 gene. It does not directly change the encoded amino acid sequence of the POLD1 protein. It affects a nucleotide within the consensus splice site. This variant is present in population databases (rs749556778, gnomAD 0.02%). This variant has not been reported in the literature in individuals affected with POLD1-related conditions. ClinVar contains an entry for this variant (Variation ID: 484411). Variants that disrupt the consensus splice site are a relatively common cause of aberrant splicing (PMID: 17576681, 9536098). Algorithms developed to predict the effect of sequence changes on RNA splicing suggest that this variant is not likely to affect RNA splicing. In summary, the available evidence is currently insufficient to determine the role of this variant in disease. Therefore, it has been classified as a Variant of Uncertain Significance.

Ambry Genetics
Classification: Uncertain significance for Hereditary cancer-predisposing syndrome. Last evaluated: 2025-04-11. Review status: criteria provided, single submitter. Criteria: Ambry Variant Classification Scheme 2023. Collection method: clinical testing. Allele origin: germline.
Comment: The c.1494+3G>A intronic variant results from a G to A substitution 3 nucleotides after coding exon 11 in the POLD1 gene. This nucleotide position is well conserved in available vertebrate species. In silico splice site analysis predicts that this alteration will not have any significant effect on splicing. Based on the available evidence, the clinical significance of this variant remains unclear.

Myriad Genetics, Inc.
Classification: Likely benign for POLD1-related polyposis and colorectal cancer syndrome. Last evaluated: 2025-02-06. Review status: criteria provided, single submitter. Criteria: Myriad Autosomal Dominant, Autosomal Recessive and X-Linked Classification Criteria (2023). Collection method: clinical testing. Allele origin: unknown.
Comment: This variant is considered likely benign. This variant is intronic and is not expected to impact mRNA splicing.

Literature cited by the submitters: PubMed 17576681 (cited by Labcorp Genetics (formerly Invitae), Labcorp); PubMed 9536098 (cited by Labcorp Genetics (formerly Invitae), Labcorp).

NM_002691.4(POLD1):c.1494+3G>A

Gene: POLD1 (DNA polymerase delta 1, catalytic subunit; plus strand). Cytogenetic location: 19q13.33.
Variant type: single nucleotide variant.
Coding change: c.1494+3G>A on transcript NM_002691.4 (MANE Select); 3 bases into the intron after coding-DNA position 1494, G replaced by A.
Molecular consequence: intron variant.
Genome position (GRCh38, 1-based): chr19:50,406,520, G>A. VCF-style: chr19-50406520-G-A. GRCh37 (hg19) VCF-style: chr19-50909777-G-A.
Other names: c.1494+3G>A (NM_001256849.1, NM_001308632.1, LRG_785t1 and 1 more transcripts).
Identifiers: ClinVar variation 484411 (VCV000484411.13), dbSNP rs749556778, ClinGen allele CA9596147.